The following is an entry in ClinVar:

ClinVar aggregate classification (germline): Pathogenic (1 of 4 stars; one submission).

Submission:

Labcorp Genetics (formerly Invitae), Labcorp
Classification: Pathogenic. Last evaluated: 2023-05-09. Review status: criteria provided, single submitter. Criteria: Invitae Variant Classification Sherloc (09022015). Collection method: clinical testing. Allele origin: germline.
Comment: This sequence change creates a premature translational stop signal (p.Ser308*) in the TSEN54 gene. It is expected to result in an absent or disrupted protein product. Loss-of-function variants in TSEN54 are known to be pathogenic (PMID: 18711368, 20952379). This variant is not present in population databases (gnomAD no frequency). This variant has not been reported in the literature in individuals affected with TSEN54-related conditions. Algorithms developed to predict the effect of sequence changes on RNA splicing suggest that this variant may disrupt the consensus splice site. For these reasons, this variant has been classified as Pathogenic.

Literature cited by the submitters: PubMed 18711368; PubMed 20952379.

NM_207346.3(TSEN54):c.923C>A (p.Ser308Ter)

Gene: TSEN54 (tRNA splicing endonuclease subunit 54; plus strand). Cytogenetic location: 17q25.1.
Variant type: single nucleotide variant.
Coding change: c.923C>A on transcript NM_207346.3 (MANE Select); coding-DNA position 923, C replaced by A.
Protein change: p.Ser308Ter; replaces serine 308 with a stop codon.
Molecular consequence: nonsense.
Genome position (GRCh38, 1-based): chr17:75,522,004, C>A. VCF-style: chr17-75522004-C-A. GRCh37 (hg19) VCF-style: chr17-73518085-C-A.
Other names: short protein forms S308*.
Identifiers: ClinVar variation 2862809 (VCV002862809.3), dbSNP rs2546156972, ClinGen allele CA401029455.